The following is an entry in ClinVar:

ClinVar aggregate classification (germline): Uncertain significance (0 of 4 stars; one submission).

Conditions:
Thyroid hormone resistance, generalized, autosomal dominant (GRTHD). Also called: HYPERTHYROXINEMIA, FAMILIAL EUTHYROID, SECONDARY TO PITUITARY AND PERIPHERAL RESISTANCE TO THYROID HORMONES. Identifiers: MedGen C2937288, MONDO:0008569, OMIM 188570.

Allele frequency attached by ClinVar (database versions not stated): gnomAD 0.00001; gnomAD exomes 0.00001 and 0.00002; ExAC 0.00003.
gnomAD v4.1: 8 of 1,613,990 alleles (0.0005%); highest among the groups gnomAD compares: Non-Finnish European, 0.00025%; no homozygotes.

Submission:

Clinical Molecular Genetics Laboratory, Johns Hopkins All Children's Hospital
Classification: Uncertain significance for Thyroid hormone resistance, generalized, autosomal dominant. Last evaluated: 2014-02-12. Review status: no assertion criteria provided. Collection method: clinical testing. Allele origin: germline. Affected: yes.
Comment: present with another pathogenic variant, phase not known.

NM_001354712.2(THRB):c.*4G>A

Gene: THRB (thyroid hormone receptor beta; minus strand). Cytogenetic location: 3p24.2.
Variant type: single nucleotide variant.
Coding change: c.*4G>A on transcript NM_001354712.2 (MANE Select); 4 bases downstream of the stop codon, G replaced by A.
Molecular consequence: 3 prime UTR variant.
Genome position (GRCh38, 1-based): chr3:24,122,880, C>T on the plus strand (G>A on the coding strand, the complement: THRB is on the minus strand). VCF-style: chr3-24122880-C-T. GRCh37 (hg19) VCF-style: chr3-24164371-C-T.
Other names: c.*4G>A (NM_000461.5, NM_001128176.3, NM_001128177.2 and 8 more transcripts).
Identifiers: ClinVar variation 492927 (VCV000492927.1), dbSNP rs777224982, ClinGen allele CA2287075.